The following is an entry in ClinVar:

NM_139058.3(ARX):c.104G>A (p.Arg35Gln)

Gene: ARX (aristaless related homeobox; minus strand). Cytogenetic location: Xp21.3.
Variant type: single nucleotide variant.
Coding change: c.104G>A on transcript NM_139058.3 (MANE Select); coding-DNA position 104, G replaced by A.
Protein change: p.Arg35Gln; replaces arginine 35 with glutamine.
Molecular consequence: missense variant.
Genome position (GRCh38, 1-based): chrX:25,015,634, C>T on the plus strand (G>A on the coding strand, the complement: ARX is on the minus strand). VCF-style: chrX-25015634-C-T. GRCh37 (hg19) VCF-style: chrX-25033751-C-T.
Other names: short protein forms R35Q.
Identifiers: ClinVar variation 2941405 (VCV002941405.3), dbSNP rs2519109239, ClinGen allele CA412613890.

ClinVar aggregate classification (germline): Uncertain significance (1 of 4 stars; one submission).

Conditions:
Intellectual disability, X-linked, with or without seizures, ARX-related. Also called: MENTAL RETARDATION, X-LINKED 29; MENTAL RETARDATION, X-LINKED 32; MENTAL RETARDATION, X-LINKED 33; MENTAL RETARDATION, X-LINKED 38; MENTAL RETARDATION, X-LINKED 43; MENTAL RETARDATION, X-LINKED 76. Identifiers: Orphanet 777, MedGen C0796244, MONDO:0010317, OMIM 300419.
Developmental and epileptic encephalopathy, 1 (DEE1). Also called: INFANTILE SPASM SYNDROME, X-LINKED 1; X-linked infantile spasms; West's syndrome; Tonic spasms with clustering, arrest of psychomotor development and hypsarrhythmia on EEG; X-Linked Infantile Spasm Syndrome; OHTAHARA SYNDROME, X-LINKED. Identifiers: MedGen C3463992, MONDO:0010632, OMIM 308350. Disease mechanism: loss of function.

Submission:

Labcorp Genetics (formerly Invitae), Labcorp
Classification: Uncertain significance for Developmental and epileptic encephalopathy, 1; Intellectual disability, X-linked, with or without seizures, ARX-related. Last evaluated: 2022-11-08. Review status: criteria provided, single submitter. Criteria: Invitae Variant Classification Sherloc (09022015). Collection method: clinical testing. Allele origin: germline.
Comment: In summary, the available evidence is currently insufficient to determine the role of this variant in disease. Therefore, it has been classified as a Variant of Uncertain Significance. Advanced modeling of protein sequence and biophysical properties (such as structural, functional, and spatial information, amino acid conservation, physicochemical variation, residue mobility, and thermodynamic stability) has been performed at Invitae for this missense variant, however the output from this modeling did not meet the statistical confidence thresholds required to predict the impact of this variant on ARX protein function. This variant has not been reported in the literature in individuals affected with ARX-related conditions. This variant is not present in population databases (gnomAD no frequency). This sequence change replaces arginine, which is basic and polar, with glutamine, which is neutral and polar, at codon 35 of the ARX protein (p.Arg35Gln).